The following is an entry in ClinVar:

NM_001429.4(EP300):c.2358C>T (p.Ser786=)

Gene: EP300 (EP300 lysine acetyltransferase; plus strand). Cytogenetic location: 22q13.2.
Variant type: single nucleotide variant.
Coding change: c.2358C>T on transcript NM_001429.4 (MANE Select); coding-DNA position 2358, C replaced by T.
Protein change: p.Ser786=; no amino-acid change (serine 786 retained).
Molecular consequence: synonymous variant.
Genome position (GRCh38, 1-based): chr22:41,149,154, C>T. VCF-style: chr22-41149154-C-T. GRCh37 (hg19) VCF-style: chr22-41545158-C-T.
Other names: c.2280C>T, p.Ser760= (NM_001362843.2).
Identifiers: ClinVar variation 3771526 (VCV003771526.13).

ClinVar aggregate classification (germline): Likely benign (1 of 4 stars; one submission).

gnomAD v4.1: 23 of 1,613,840 alleles (0.0014%); highest among the groups gnomAD compares: African/African-American, 0.0094%; no homozygotes.

Submission:

CeGaT Center for Human Genetics Tuebingen
Classification: Likely benign. Last evaluated: 2024-12-01. Review status: criteria provided, single submitter. Criteria: CeGaT Center For Human Genetics Tuebingen Variant Classification Criteria Version 2. Collection method: clinical testing. Allele origin: germline. Affected: yes. Observed: 1 variant allele.
Comment: EP300: BP4, BP7